The following is an entry in ClinVar:

ClinVar aggregate classification (germline): Uncertain significance. Review status: criteria provided, multiple submitters, no conflicts (2 of 4 stars). 2 submissions from 2 submitters: Uncertain significance (2). Last evaluated 2025-04-16.

Submissions (2):

Labcorp Genetics (formerly Invitae), Labcorp
Classification: Uncertain significance. Last evaluated: 2025-04-16. Review status: criteria provided, single submitter. Criteria: Invitae Variant Classification Sherloc (09022015). Collection method: clinical testing. Allele origin: germline.
Comment: This sequence change replaces tryptophan, which is neutral and slightly polar, with cysteine, which is neutral and slightly polar, at codon 129 of the ELOVL4 protein (p.Trp129Cys). This variant is not present in population databases (gnomAD no frequency). This variant has not been reported in the literature in individuals affected with ELOVL4-related conditions. ClinVar contains an entry for this variant (Variation ID: 2693507). Invitae Evidence Modeling of protein sequence and biophysical properties (such as structural, functional, and spatial information, amino acid conservation, physicochemical variation, residue mobility, and thermodynamic stability) indicates that this missense variant is expected to disrupt ELOVL4 protein function with a positive predictive value of 80%. In summary, the available evidence is currently insufficient to determine the role of this variant in disease. Therefore, it has been classified as a Variant of Uncertain Significance.

Blueprint Genetics
Classification: Uncertain significance. Last evaluated: 2019-10-23. Review status: criteria provided, single submitter. Criteria: ACMG Guidelines, 2015. Collection method: clinical testing. Allele origin: germline.

NM_022726.4(ELOVL4):c.387G>T (p.Trp129Cys)

Gene: ELOVL4 (ELOVL fatty acid elongase 4; minus strand). Cytogenetic location: 6q14.1.
Variant type: single nucleotide variant.
Coding change: c.387G>T on transcript NM_022726.4 (MANE Select); coding-DNA position 387, G replaced by T.
Protein change: p.Trp129Cys; replaces tryptophan 129 with cysteine.
Molecular consequence: missense variant.
Genome position (GRCh38, 1-based): chr6:79,921,779, C>A on the plus strand (G>T on the coding strand, the complement: ELOVL4 is on the minus strand). VCF-style: chr6-79921779-C-A. GRCh37 (hg19) VCF-style: chr6-80631496-C-A.
Other names: short protein forms W129C.
Identifiers: ClinVar variation 2693507 (VCV002693507.4), dbSNP rs2127698531, ClinGen allele CA364656786.